The following is an entry in ClinVar:

NM_000255.4(MMUT):c.1708A>G (p.Lys570Glu)

Gene: MMUT (methylmalonyl-CoA mutase; minus strand). Cytogenetic location: 6p12.3.
Variant type: single nucleotide variant.
Coding change: c.1708A>G on transcript NM_000255.4 (MANE Select); coding-DNA position 1708, A replaced by G.
Protein change: p.Lys570Glu; replaces lysine 570 with glutamic acid.
Molecular consequence: missense variant.
Genome position (GRCh38, 1-based): chr6:49,441,940, T>C on the plus strand (A>G on the coding strand, the complement: MMUT is on the minus strand). VCF-style: chr6-49441940-T-C. GRCh37 (hg19) VCF-style: chr6-49409653-T-C.
Other names: short protein forms K570E.
Identifiers: ClinVar variation 3716645 (VCV003716645.2).
Genomic context (GRCh38, chr6:49,441,940, plus strand): 5'-CCTGGCGATATGCTCCACTCACCATTCGATCATTCGCTTTATGTTCACCAAATACCTTTT[T>C]CAGGGCATCTGTGATTTCTCCCACTGTACATCTGAAACATGAAATGGTGGTTCCATTAAC-3'
Protein context (NP_000246.2, residues 560-580): CTVGEITDAL[Lys570Glu]KVFGEHKAND

ClinVar aggregate classification (germline): Uncertain significance (1 of 4 stars; one submission).

gnomAD v4.1: 2 of 1,611,698 alleles (0.00012%); highest among the groups gnomAD compares: Admixed American, 0.0033%; no homozygotes.

Submission:

Labcorp Genetics (formerly Invitae), Labcorp
Classification: Uncertain significance. Last evaluated: 2024-04-04. Review status: criteria provided, single submitter. Criteria: Invitae Variant Classification Sherloc (09022015). Collection method: clinical testing. Allele origin: germline.
Comment: This sequence change replaces lysine, which is basic and polar, with glutamic acid, which is acidic and polar, at codon 570 of the MUT protein (p.Lys570Glu). This variant is present in population databases (no rsID available, gnomAD 0.003%). This missense change has been observed in individual(s) with clinical features of methylmalonic acidemia (Invitae). Advanced modeling of protein sequence and biophysical properties (such as structural, functional, and spatial information, amino acid conservation, physicochemical variation, residue mobility, and thermodynamic stability) performed at Invitae indicates that this missense variant is not expected to disrupt MUT protein function with a negative predictive value of 95%. In summary, the available evidence is currently insufficient to determine the role of this variant in disease. Therefore, it has been classified as a Variant of Uncertain Significance.